The following is an entry in ClinVar:

NM_001283009.2(RTEL1):c.3176C>T (p.Ala1059Val)

Genes: RTEL1 (regulator of telomere elongation helicase 1; plus strand), RTEL1-TNFRSF6B (RTEL1-TNFRSF6B readthrough (NMD candidate); plus strand). Cytogenetic location: 20q13.33.
Variant type: single nucleotide variant.
Coding change: c.3176C>T on transcript NM_001283009.2 (MANE Select); coding-DNA position 3176, C replaced by T.
Protein change: p.Ala1059Val; replaces alanine 1059 with valine.
Molecular consequence: missense variant. On other transcripts: non-coding transcript variant (1).
Genome position (GRCh38, 1-based): chr20:63,694,807, C>T. VCF-style: chr20-63694807-C-T. GRCh37 (hg19) VCF-style: chr20-62326160-C-T.
Other names: c.2507C>T, p.Ala836Val (NM_001283010.1); c.3176C>T, p.Ala1059Val (NM_016434.4); c.3248C>T, p.Ala1083Val (NM_032957.5); short protein forms A836V, A1059V, A1083V.
Identifiers: ClinVar variation 5028461 (VCV005028461.1).

ClinVar aggregate classification (germline): Uncertain significance (1 of 4 stars; one submission).

Conditions:
Inborn genetic diseases. Identifiers: MedGen C0950123, MeSH D030342.

gnomAD v4.1: 3 of 1,612,426 alleles (0.00019%); highest among the groups gnomAD compares: Non-Finnish European, 0.00025%; no homozygotes.

Submission:

Ambry Genetics
Classification: Uncertain significance for Inborn genetic diseases. Last evaluated: 2026-06-19. Review status: criteria provided, single submitter. Criteria: Ambry Variant Classification Scheme 2023. Collection method: clinical testing. Allele origin: germline.
Comment: The p.A1059V variant (also known as c.3176C>T), located in coding exon 31 of the RTEL1 gene, results from a C to T substitution at nucleotide position 3176. The alanine at codon 1059 is replaced by valine, an amino acid with similar properties. This amino acid position is conserved. In addition, this alteration is predicted to be tolerated by in silico analysis. Based on the available evidence, the clinical significance of this variant remains unclear.